The following is an entry in ClinVar:

ClinVar aggregate classification (germline): Conflicting classifications of pathogenicity. Review status: criteria provided, conflicting classifications (1 of 4 stars). 2 submissions from 2 submitters: Uncertain significance (1); Likely benign (1). Last evaluated 2025-04-08.

Conditions:
Inborn genetic diseases. Identifiers: MedGen C0950123, MeSH D030342.

Allele frequency attached by ClinVar (database versions not stated): ExAC 0.00002; gnomAD exomes 0.00002; gnomAD 0.00003; TOPMed 0.00003.
gnomAD v4.1: 33 of 1,613,788 alleles (0.002%); highest among the groups gnomAD compares: Admixed American, 0.012%; no homozygotes.

Submissions (2):

Ambry Genetics
Classification: Uncertain significance for Inborn genetic diseases. Last evaluated: 2025-04-08. Review status: criteria provided, single submitter. Criteria: Ambry Variant Classification Scheme 2023. Collection method: clinical testing. Allele origin: germline.

CeGaT Center for Human Genetics Tuebingen
Classification: Likely benign. Last evaluated: 2024-06-01. Review status: criteria provided, single submitter. Criteria: CeGaT Center For Human Genetics Tuebingen Variant Classification Criteria Version 2. Collection method: clinical testing. Allele origin: germline. Affected: yes. Observed: 1 variant allele.
Comment: MYH14: BP4

NM_001145809.2(MYH14):c.5567G>A (p.Arg1856Gln)

Gene: MYH14 (myosin heavy chain 14; plus strand). Cytogenetic location: 19q13.33.
Variant type: single nucleotide variant.
Coding change: c.5567G>A on transcript NM_001145809.2 (MANE Select); coding-DNA position 5567, G replaced by A.
Protein change: p.Arg1856Gln; replaces arginine 1856 with glutamine.
Molecular consequence: missense variant.
Genome position (GRCh38, 1-based): chr19:50,301,758, G>A. VCF-style: chr19-50301758-G-A. GRCh37 (hg19) VCF-style: chr19-50805015-G-A.
Other names: c.5444G>A (NM_024729.3); c.5468G>A, p.Arg1823Gln (NM_001077186.2); c.5444G>A, p.Arg1815Gln (NM_024729.4); short protein forms R1815Q, R1823Q, R1856Q.
Identifiers: ClinVar variation 3250607 (VCV003250607.18), dbSNP rs763247736.